The following is an entry in ClinVar:

ClinVar aggregate classification (germline): Pathogenic (1 of 4 stars; one submission).

Submission:

GeneDx
Classification: Pathogenic. Last evaluated: 2026-03-04. Review status: criteria provided, single submitter. Criteria: GeneDx Variant Classification Process June 2021. Collection method: clinical testing. Allele origin: germline.
Comment: Nonsense variant predicted to result in protein truncation, as the last 83 amino acid(s) are lost, and other loss-of-function variants have been reported downstream in HGMD; Not observed at significant frequency in large population cohorts (gnomAD); Has not been previously published as pathogenic or benign to our knowledge

NM_001172509.2(SATB2):c.1951C>T (p.Gln651Ter)

Genes: SATB2 (SATB homeobox 2; minus strand), LOC126806462 (MED14-independent group 3 enhancer GRCh37_chr2:200136608-200137807; plus strand). Cytogenetic location: 2q33.1.
Variant type: single nucleotide variant.
Coding change: c.1951C>T on transcript NM_001172509.2 (MANE Select); coding-DNA position 1951, C replaced by T.
Protein change: p.Gln651Ter; replaces glutamine 651 with a stop codon.
Molecular consequence: nonsense.
Genome position (GRCh38, 1-based): chr2:199,272,462, G>A on the plus strand (C>T on the coding strand, the complement: SATB2 is on the minus strand). VCF-style: chr2-199272462-G-A. GRCh37 (hg19) VCF-style: chr2-200137185-G-A.
Other names: c.1951C>T, p.Gln651Ter (NM_001172517.1, NM_015265.4); short protein forms Q651*.
Identifiers: ClinVar variation 4975066 (VCV004975066.1).
Genomic context (GRCh38, chr2:199,272,462, plus strand): 5'-TCACGTGGTACCGCTGGTTCTGGAAGAACTTGATGATGGTGTGTTTGGGGAGATCCAGCT[G>A]AGCCGAAAGAGTGTGGATGGCTTCCTGGTCTGGGTACAGGCCTACATCATGAATAAAGCT-3'